The following is an entry in ClinVar:

NM_001330691.3(CEP78):c.283dup (p.Arg95fs)

Gene: CEP78 (centrosomal protein 78; plus strand). Cytogenetic location: 9q21.2.
Variant type: Duplication.
Coding change: c.283dup on transcript NM_001330691.3 (MANE Select); coding-DNA position 283, one base duplicated (C; older notation c.283dupC).
Protein change: p.Arg95fs; shifts the reading frame from arginine 95.
Molecular consequence: frameshift variant.
Genome position (GRCh38, 1-based): chr9:78,240,052, C duplicated. VCF-style (leftmost placement, unchanged base first): chr9-78240051-T-TC. GRCh37 (hg19) VCF-style: chr9-80854967-T-TC.
Other names: c.283dup, p.Arg95fs (NM_001098802.3, NM_001330693.3, NM_001330694.2 and 4 more transcripts); short protein forms R95fs.
Identifiers: ClinVar variation 938706 (VCV000938706.8), dbSNP rs1826148463, ClinGen allele CA1139660997.

ClinVar aggregate classification (germline): Pathogenic. Review status: criteria provided, single submitter (1 of 4 stars). 2 submissions from 2 submitters: Pathogenic (1). 1 of the submissions does not count toward it. Last evaluated 2025-05-05.

Conditions:
Retinal dystrophy. Also called: Inherited retinal dystrophy. Identifiers: Orphanet 71862, MedGen C0854723, MeSH D058499, MONDO:0019118, HP:0000556.

Allele frequency attached by ClinVar (database versions not stated): gnomAD exomes below 0.00001.

Submissions (2):

Labcorp Genetics (formerly Invitae), Labcorp
Classification: Pathogenic. Last evaluated: 2025-05-05. Review status: criteria provided, single submitter. Criteria: Invitae Variant Classification Sherloc (09022015). Collection method: clinical testing. Allele origin: germline.
Comment: This sequence change creates a premature translational stop signal (p.Arg95Profs*16) in the CEP78 gene. It is expected to result in an absent or disrupted protein product. Loss-of-function variants in CEP78 are known to be pathogenic (PMID: 27588451, 27588452, 32531858, 33879512, 34223797, 35240912, 37734845, 38780195). This variant is not present in population databases (gnomAD no frequency). This variant has not been reported in the literature in individuals affected with CEP78-related conditions. ClinVar contains an entry for this variant (Variation ID: 938706). For these reasons, this variant has been classified as Pathogenic.

Institute of Human Genetics, Univ. Regensburg, Univ. Regensburg
Classification: Pathogenic for Retinal dystrophy. Last evaluated: 2022-01-01. Review status: no assertion criteria provided. Criteria: ACMG Guidelines, 2015. Collection method: clinical testing. Allele origin: germline. Affected: yes. Not counted in ClinVar's aggregate classification.

Literature cited by the submitters: PubMed 27588451 (cited by Labcorp Genetics (formerly Invitae), Labcorp); PubMed 27588452 (cited by Labcorp Genetics (formerly Invitae), Labcorp); PubMed 32531858 (cited by Labcorp Genetics (formerly Invitae), Labcorp); PubMed 33879512 (cited by Labcorp Genetics (formerly Invitae), Labcorp); PubMed 34223797 (cited by Labcorp Genetics (formerly Invitae), Labcorp); PubMed 35240912 (cited by Labcorp Genetics (formerly Invitae), Labcorp); PubMed 37734845 (cited by Labcorp Genetics (formerly Invitae), Labcorp); PubMed 38780195 (cited by Labcorp Genetics (formerly Invitae), Labcorp).